The following is an entry in ClinVar:

ClinVar aggregate classification (germline): Benign (1 of 4 stars; one submission).

Allele frequency attached by ClinVar (database versions not stated): 1000 Genomes Project 30x 0.84744; TOPMed 0.84837; gnomAD 0.84970 and 0.85061; 1000 Genomes Project 0.85024.
gnomAD v4.1: 129,426 of 152,218 alleles (85%); highest among the groups gnomAD compares: East Asian, 97%; 55,178 homozygotes.

Submission:

GeneDx
Classification: Benign. Last evaluated: 2018-06-19. Review status: criteria provided, single submitter. Criteria: GeneDx Variant Classification (06012015). Collection method: clinical testing. Allele origin: germline. Affected: yes.
Comment: This variant is considered likely benign or benign based on one or more of the following criteria: it is a conservative change, it occurs at a poorly conserved position in the protein, it is predicted to be benign by multiple in silico algorithms, and/or has population frequency not consistent with disease.

NM_001378615.1(CC2D2A):c.40-274T>C

Genes: CC2D2A (coiled-coil and C2 domain containing 2A; plus strand), FBXL5 (F-box and leucine rich repeat protein 5; minus strand). Cytogenetic location: 4p15.32.
Variant type: single nucleotide variant.
Coding change: c.40-274T>C on transcript NM_001378615.1 (MANE Select); 274 bases into the intron before coding-DNA position 40, T replaced by C.
Molecular consequence: intron variant.
Genome position (GRCh38, 1-based): chr4:15,478,449, T>C. VCF-style: chr4-15478449-T-C. GRCh37 (hg19) VCF-style: chr4-15480073-T-C.
Other names: c.40-274T>C (NM_020785.2, NM_001164720.3, NM_001080522.2).
Identifiers: ClinVar variation 668061 (VCV000668061.1), dbSNP rs9995927, ClinGen allele CA11903368.